The following is an entry in ClinVar:

NM_030962.4(SBF2):c.4183G>T (p.Val1395Phe)

Genes: SBF2 (SET binding factor 2; minus strand), SBF2-AS1 (SBF2 antisense RNA 1; plus strand). Cytogenetic location: 11p15.4.
Variant type: single nucleotide variant.
Coding change: c.4183G>T on transcript NM_030962.4 (MANE Select); coding-DNA position 4183, G replaced by T.
Protein change: p.Val1395Phe; replaces valine 1395 with phenylalanine.
Molecular consequence: missense variant. On other transcripts: non-coding transcript variant (1).
Genome position (GRCh38, 1-based): chr11:9,808,975, C>A on the plus strand (G>T on the coding strand, the complement: SBF2 is on the minus strand). VCF-style: chr11-9808975-C-A. GRCh37 (hg19) VCF-style: chr11-9830522-C-A.
Other names: c.4279G>T, p.Val1427Phe (NM_001386339.1); c.4054G>T, p.Val1352Phe (NM_001386342.1); c.4219G>T, p.Val1407Phe (NM_001424318.1, NM_001425070.1); c.4078G>T, p.Val1360Phe (NM_001425069.1); short protein forms V1352F, V1395F, V1427F, V1407F, V1360F.
Identifiers: ClinVar variation 2753543 (VCV002753543.3), dbSNP rs1017765700, ClinGen allele CA217620785.

ClinVar aggregate classification (germline): Uncertain significance (1 of 4 stars; one submission).

Conditions:
Charcot-Marie-Tooth disease type 4. Also called: Charcot-Marie-Tooth, Type 4; Charcot-Marie-Tooth disease, type IV. Identifiers: Orphanet 64749, MedGen C4082197, MONDO:0018995.

Allele frequency attached by ClinVar (database versions not stated): TOPMed 0.00001; gnomAD 0.00003.
gnomAD v4.1: 5 of 1,613,884 alleles (0.00031%); highest among the groups gnomAD compares: African/African-American, 0.0067%; no homozygotes.

Submission:

Labcorp Genetics (formerly Invitae), Labcorp
Classification: Uncertain significance for Charcot-Marie-Tooth disease type 4. Last evaluated: 2023-08-31. Review status: criteria provided, single submitter. Criteria: Invitae Variant Classification Sherloc (09022015). Collection method: clinical testing. Allele origin: germline.
Comment: In summary, the available evidence is currently insufficient to determine the role of this variant in disease. Therefore, it has been classified as a Variant of Uncertain Significance. Advanced modeling of protein sequence and biophysical properties (such as structural, functional, and spatial information, amino acid conservation, physicochemical variation, residue mobility, and thermodynamic stability) performed at Invitae indicates that this missense variant is not expected to disrupt SBF2 protein function. This variant has not been reported in the literature in individuals affected with SBF2-related conditions. This variant is present in population databases (no rsID available, gnomAD 0.007%). This sequence change replaces valine, which is neutral and non-polar, with phenylalanine, which is neutral and non-polar, at codon 1395 of the SBF2 protein (p.Val1395Phe).